The following is an entry in ClinVar:

NM_006218.4(PIK3CA):c.1352G>T (p.Gly451Val)

Gene: PIK3CA (phosphatidylinositol-4,5-bisphosphate 3-kinase catalytic subunit alpha; plus strand). Cytogenetic location: 3q26.32.
Variant type: single nucleotide variant.
Coding change: c.1352G>T on transcript NM_006218.4 (MANE Select); coding-DNA position 1352, G replaced by T.
Protein change: p.Gly451Val; replaces glycine 451 with valine.
Molecular consequence: missense variant.
Genome position (GRCh38, 1-based): chr3:179,210,286, G>T. VCF-style: chr3-179210286-G-T. GRCh37 (hg19) VCF-style: chr3-178928074-G-T.
Other names: short protein forms G451V.
Identifiers: ClinVar variation 2575039 (VCV002575039.2), dbSNP rs2108400626, ClinGen allele CA355261948.
Genomic context (GRCh38, chr3:179,210,286, plus strand): 5'-ATTACACAGACACTCTAGTATCTGGAAAAATGGCTTTGAATCTTTGGCCAGTACCTCATG[G>T]ATTAGAAGATTTGCTGAACCCTATTGGTGTTACTGGATCAAATCCAAATAAAGTAAGGTT-3'
Protein context (NP_006209.2, residues 441-461): MALNLWPVPH[Gly451Val]LEDLLNPIGV

ClinVar aggregate classification (germline): Conflicting classifications of pathogenicity. Review status: criteria provided, conflicting classifications (1 of 4 stars). 2 submissions from 2 submitters: Pathogenic (1); Uncertain significance (1). Last evaluated 2026-03-28.

Conditions:
PIK3CA constitutional syndrome.

Submissions (2):

Laboratoire de Cytogenomique, Chu Angers
Classification: Pathogenic for PIK3CA constitutional syndrome. Last evaluated: 2026-03-28. Review status: criteria provided, single submitter. Criteria: ACMG Guidelines, 2015. Collection method: clinical testing. Allele origin: de novo. Affected: yes. Observed: 1 variant allele.
Comment: The PIK3CA NM_006218.4:c.1352G>T (p.Gly451Val) variant is a missense variant affecting the C2 domain of the p110α protein, which plays a role in membrane binding and proper localization of the enzyme (PM1, PP2). This variant is absent from population databases (gnomAD v4) (PM2). Brain MRI revealed megalencephaly with ventricular abnormalities, white matter signal abnormalities, and a septum pellucidum cyst. This variant has been previously reported in an oncological context, with functional studies demonstrating a moderate activating effect on PI3K signaling (PMID: 28528867), supporting a deleterious impact on protein function (PS3_moderate). In silico prediction tools support a deleterious effect on the protein (PP3_moderate). In summary, this variant is classified as pathogenic according to ACMG/AMP criteria: PS3_moderate, PM1, PM2, PM6, PP2, PP3_moderate.

GeneDx
Classification: Uncertain significance. Last evaluated: 2023-02-07. Review status: criteria provided, single submitter. Criteria: GeneDx Variant Classification Process June 2021. Collection method: clinical testing. Allele origin: germline. Affected: yes.
Comment: Not observed at significant frequency in large population cohorts (gnomAD); In silico analysis supports that this missense variant has a deleterious effect on protein structure/function; Has not been previously published as pathogenic or benign to our knowledge; This variant is associated with the following publications: (PMID: 24929024, 34725212, 28528867)

Literature cited by the submitters: PubMed 28528867 (cited by Laboratoire de Cytogenomique, Chu Angers).